The following is an entry in ClinVar:

NM_000135.4(FANCA):c.3941G>A (p.Arg1314Lys)

Genes: FANCA (FA complementation group A; minus strand), ZNF276 (zinc finger protein 276; plus strand). Cytogenetic location: 16q24.3.
Variant type: single nucleotide variant.
Coding change: c.3941G>A on transcript NM_000135.4 (MANE Select); coding-DNA position 3941, G replaced by A.
Protein change: p.Arg1314Lys; replaces arginine 1314 with lysine.
Molecular consequence: missense variant. On other transcripts: 3 prime UTR variant (2), non-coding transcript variant (4).
Genome position (GRCh38, 1-based): chr16:89,739,547, C>T on the plus strand (G>A on the coding strand, the complement: FANCA is on the minus strand). VCF-style: chr16-89739547-C-T. GRCh37 (hg19) VCF-style: chr16-89805955-C-T.
Other names: c.3941G>A, p.Arg1314Lys (NM_001286167.3); c.*1301C>T (NM_001113525.2, NM_152287.4); short protein forms R1314K.
Identifiers: ClinVar variation 4022346 (VCV004022346.1).

ClinVar aggregate classification (germline): Uncertain significance (1 of 4 stars; one submission).

Conditions:
Inborn genetic diseases. Identifiers: MedGen C0950123, MeSH D030342.

Submission:

Ambry Genetics
Classification: Uncertain significance for Inborn genetic diseases. Last evaluated: 2025-06-05. Review status: criteria provided, single submitter. Criteria: Ambry Variant Classification Scheme 2023. Collection method: clinical testing. Allele origin: germline.
Comment: The p.R1314K variant (also known as c.3941G>A), located in coding exon 40 of the FANCA gene, results from a G to A substitution at nucleotide position 3941. The arginine at codon 1314 is replaced by lysine, an amino acid with highly similar properties. This amino acid position is conserved. In addition, this alteration is predicted to be tolerated by in silico analysis. Based on the available evidence, the clinical significance of this variant remains unclear.